The following is an entry in ClinVar:

ClinVar aggregate classification (germline): Uncertain significance (1 of 4 stars; one submission).

gnomAD v4.1: 2 of 1,600,964 alleles (0.00012%); highest among the groups gnomAD compares: Admixed American, 0.0034%; no homozygotes.

Submission:

Labcorp Genetics (formerly Invitae), Labcorp
Classification: Uncertain significance. Last evaluated: 2024-07-03. Review status: criteria provided, single submitter. Criteria: Invitae Variant Classification Sherloc (09022015). Collection method: clinical testing. Allele origin: germline.
Comment: This sequence change falls in intron 9 of the TSPEAR gene. It does not directly change the encoded amino acid sequence of the TSPEAR protein. This variant is present in population databases (rs781978962, gnomAD 0.003%). This variant has not been reported in the literature in individuals affected with TSPEAR-related conditions. Algorithms developed to predict the effect of sequence changes on RNA splicing suggest that this variant may disrupt the consensus splice site. In summary, the available evidence is currently insufficient to determine the role of this variant in disease. Therefore, it has been classified as a Variant of Uncertain Significance.

NM_144991.3(TSPEAR):c.1567-8G>A

Genes: TSPEAR (thrombospondin type laminin G domain and EAR repeats; minus strand), TSPEAR-AS1 (TSPEAR antisense RNA 1; plus strand), LOC126653398 (CDK7 strongly-dependent group 2 enhancer GRCh37_chr21:45928270-45929469; plus strand). Cytogenetic location: 21q22.3.
Variant type: single nucleotide variant.
Coding change: c.1567-8G>A on transcript NM_144991.3 (MANE Select); 8 bases into the intron before coding-DNA position 1567, G replaced by A.
Molecular consequence: intron variant. On other transcripts: non-coding transcript variant (1).
Genome position (GRCh38, 1-based): chr21:44,509,394, C>T on the plus strand (G>A on the coding strand, the complement: TSPEAR is on the minus strand). VCF-style: chr21-44509394-C-T. GRCh37 (hg19) VCF-style: chr21-45929277-C-T.
Other names: c.1363-8G>A (NM_001272037.2).
Identifiers: ClinVar variation 3617223 (VCV003617223.2).